The following is an entry in ClinVar:

ClinVar aggregate classification (germline): Uncertain significance (1 of 4 stars; one submission).

Conditions:
Mendelian susceptibility to mycobacterial diseases due to complete ISG15 deficiency. Also called: Immunodeficiency 38; IMMUNODEFICIENCY 38, MYCOBACTERIOSIS, AUTOSOMAL RECESSIVE; ISG15 DEFICIENCY, AUTOSOMAL RECESSIVE; Immunodeficiency 38 with basal ganglia calcification. Identifiers: Orphanet 319563, MedGen C4015293, MONDO:0014502, OMIM 616126.

Allele frequency attached by ClinVar (database versions not stated): gnomAD 0.00001 and 0.00002; TOPMed 0.00002; gnomAD exomes 0.00003; 1000 Genomes Project 30x 0.00016; 1000 Genomes Project 0.00020.

Submission:

Labcorp Genetics (formerly Invitae), Labcorp
Classification: Uncertain significance for Mendelian susceptibility to mycobacterial diseases due to complete ISG15 deficiency. Last evaluated: 2021-04-14. Review status: criteria provided, single submitter. Criteria: Invitae Variant Classification Sherloc (09022015). Collection method: clinical testing. Allele origin: germline.
Comment: In summary, the available evidence is currently insufficient to determine the role of this variant in disease. Therefore, it has been classified as a Variant of Uncertain Significance. Algorithms developed to predict the effect of missense changes on protein structure and function are either unavailable or do not agree on the potential impact of this missense change (SIFT: "Deleterious"; PolyPhen-2: "Probably Damaging"; Align-GVGD: "Class C0"). This variant has not been reported in the literature in individuals with ISG15-related conditions. This variant is present in population databases (rs202075563, ExAC 0.02%). This sequence change replaces valine with methionine at codon 38 of the ISG15 protein (p.Val38Met). The valine residue is highly conserved and there is a small physicochemical difference between valine and methionine.

NM_005101.4(ISG15):c.112G>A (p.Val38Met)

Gene: ISG15 (ISG15 ubiquitin like modifier; plus strand). Cytogenetic location: 1p36.33.
Variant type: single nucleotide variant.
Coding change: c.112G>A on transcript NM_005101.4 (MANE Select); coding-DNA position 112, G replaced by A.
Protein change: p.Val38Met; replaces valine 38 with methionine.
Molecular consequence: missense variant.
Genome position (GRCh38, 1-based): chr1:1,014,092, G>A. VCF-style: chr1-1014092-G-A. GRCh37 (hg19) VCF-style: chr1-949472-G-A.
Other names: short protein forms V38M.
Identifiers: ClinVar variation 950193 (VCV000950193.10), dbSNP rs202075563, ClinGen allele CA507619.